The following is an entry in ClinVar:

ClinVar aggregate classification (germline): Uncertain significance. Review status: criteria provided, multiple submitters, no conflicts (2 of 4 stars). 2 submissions from 2 submitters: Uncertain significance (2). Last evaluated 2024-02-17.

Conditions:
Primary hyperoxaluria type 3. Also called: PH III. Identifiers: Orphanet 416, Orphanet 93600, MedGen C3150878, MONDO:0013327, OMIM 613616. Disease mechanism: loss of function.

Allele frequency attached by ClinVar (database versions not stated): gnomAD 0.00001; gnomAD exomes 0.00002; ExAC 0.00003; TOPMed 0.00005.
gnomAD v4.1: 38 of 1,614,006 alleles (0.0024%); highest among the groups gnomAD compares: Middle Eastern, 0.016%; no homozygotes.

Submissions (2):

Fulgent Genetics
Classification: Uncertain significance for Primary hyperoxaluria type 3. Last evaluated: 2024-02-17. Review status: criteria provided, single submitter. Criteria: ACMG Guidelines, 2015. Collection method: clinical testing. Allele origin: germline.

Labcorp Genetics (formerly Invitae), Labcorp
Classification: Uncertain significance. Last evaluated: 2021-08-30. Review status: criteria provided, single submitter. Criteria: Invitae Variant Classification Sherloc (09022015). Collection method: clinical testing. Allele origin: germline.
Comment: This sequence change replaces arginine with cysteine at codon 95 of the HOGA1 protein (p.Arg95Cys). The arginine residue is highly conserved and there is a large physicochemical difference between arginine and cysteine. This variant is present in population databases (rs751366895, ExAC 0.006%). This variant has not been reported in the literature in individuals affected with HOGA1-related conditions. Algorithms developed to predict the effect of missense changes on protein structure and function are either unavailable or do not agree on the potential impact of this missense change (SIFT: "Deleterious"; PolyPhen-2: "Benign"; Align-GVGD: "Class C15"). In summary, the available evidence is currently insufficient to determine the role of this variant in disease. Therefore, it has been classified as a Variant of Uncertain Significance.

NM_138413.4(HOGA1):c.283C>T (p.Arg95Cys)

Gene: HOGA1 (4-hydroxy-2-oxoglutarate aldolase 1; plus strand). Cytogenetic location: 10q24.2.
Variant type: single nucleotide variant.
Coding change: c.283C>T on transcript NM_138413.4 (MANE Select); coding-DNA position 283, C replaced by T.
Protein change: p.Arg95Cys; replaces arginine 95 with cysteine.
Molecular consequence: missense variant. On other transcripts: intron variant (1).
Genome position (GRCh38, 1-based): chr10:97,598,846, C>T. VCF-style: chr10-97598846-C-T. GRCh37 (hg19) VCF-style: chr10-99358603-C-T.
Other names: c.212-3011C>T (NM_001134670.2); short protein forms R95C.
Identifiers: ClinVar variation 2082381 (VCV002082381.2), dbSNP rs751366895, ClinGen allele CA5634037.